The following is an entry in ClinVar:

NM_002691.4(POLD1):c.2718-15C>T

Gene: POLD1 (DNA polymerase delta 1, catalytic subunit; plus strand). Cytogenetic location: 19q13.33.
Variant type: single nucleotide variant.
Coding change: c.2718-15C>T on transcript NM_002691.4 (MANE Select); 15 bases into the intron before coding-DNA position 2718, C replaced by T.
Molecular consequence: intron variant.
Genome position (GRCh38, 1-based): chr19:50,415,709, C>T. VCF-style: chr19-50415709-C-T. GRCh37 (hg19) VCF-style: chr19-50918966-C-T.
Other names: c.2718-15C>T (NM_001256849.1, LRG_785t1); c.2796-15C>T (NM_001308632.1, LRG_785t2).
Identifiers: ClinVar variation 512073 (VCV000512073.1), dbSNP rs753291566, ClinGen allele CA9596640.

ClinVar aggregate classification (germline): Likely benign (1 of 4 stars; one submission).

Allele frequency attached by ClinVar (database versions not stated): ExAC below 0.00001.

Submission:

GeneDx
Classification: Likely benign. Last evaluated: 2017-09-12. Review status: criteria provided, single submitter. Criteria: GeneDx Variant Classification (06012015). Collection method: clinical testing. Allele origin: germline. Affected: yes.
Comment: This variant is considered likely benign or benign based on one or more of the following criteria: it is a conservative change, it occurs at a poorly conserved position in the protein, it is predicted to be benign by multiple in silico algorithms, and/or has population frequency not consistent with disease.